The following is an entry in ClinVar:

NM_018429.3(BDP1):c.1804A>C (p.Ile602Leu)

Gene: BDP1 (BDP1 general transcription factor IIIB subunit; plus strand). Cytogenetic location: 5q13.2.
Variant type: single nucleotide variant.
Coding change: c.1804A>C on transcript NM_018429.3 (MANE Select); coding-DNA position 1804, A replaced by C.
Protein change: p.Ile602Leu; replaces isoleucine 602 with leucine.
Molecular consequence: missense variant.
Genome position (GRCh38, 1-based): chr5:71,497,274, A>C. VCF-style: chr5-71497274-A-C. GRCh37 (hg19) VCF-style: chr5-70793101-A-C.
Other names: short protein forms I602L.
Identifiers: ClinVar variation 4645674 (VCV004645674.2).
Genomic context (GRCh38, chr5:71,497,274, plus strand): 5'-GTTCATTTGGACATGACTGCATGTTTGATGCTATTTAAATAATGTTAATTTTTCAGGGAA[A>C]TTGATCAAACAGAAAATGTTAAACCAATGTTGAGAGGTCGCTTCCAAAGACCTAAACCCA-3'
Protein context (NP_060899.2, residues 592-612): NVDLKNNSLE[Ile602Leu]DQTENVKPML

ClinVar aggregate classification (germline): Uncertain significance. Review status: criteria provided, multiple submitters, no conflicts (2 of 4 stars). 2 submissions from 2 submitters: Uncertain significance (2). Last evaluated 2026-04-19.

Conditions:
BDP1-related disorder. Also called: BDP1-related condition.

gnomAD v4.1: 130 of 1,611,164 alleles (0.0081%); highest among the groups gnomAD compares: Non-Finnish European, 0.011%; no homozygotes.

Submissions (2):

PreventionGenetics, part of Exact Sciences
Classification: Uncertain significance for BDP1-related condition. Last evaluated: 2026-04-19. Review status: criteria provided, single submitter. Criteria: ACMG Guidelines, 2015. Collection method: clinical testing. Allele origin: germline.
Comment: The BDP1 c.1804A>C variant is predicted to result in the amino acid substitution p.Ile602Leu. To our knowledge, this variant has not been reported in the literature. This variant is reported in 0.014% of alleles in individuals of European (Non-Finnish) descent in gnomAD. At this time, the clinical significance of this variant is uncertain due to the absence of conclusive functional and genetic evidence.

Ambry Genetics
Classification: Uncertain significance. Last evaluated: 2025-10-23. Review status: criteria provided, single submitter. Criteria: Ambry Variant Classification Scheme 2023. Collection method: clinical testing. Allele origin: germline.